The following is an entry in ClinVar:

ClinVar aggregate classification (germline): Uncertain significance (1 of 4 stars; one submission).

Submission:

GeneDx
Classification: Uncertain significance. Last evaluated: 2025-01-03. Review status: criteria provided, single submitter. Criteria: GeneDx Variant Classification Process June 2021. Collection method: clinical testing. Allele origin: germline. Affected: yes.
Comment: Not observed at significant frequency in large population cohorts (gnomAD); In silico analysis indicates that this missense variant does not alter protein structure/function; Does not affect a cysteine or calcium-binding residue within an EGF-like domain or a TGF-binding protein domain of the FBN1 gene; cysteine substitutions in the EGF-like domains represent the majority of pathogenic missense changes associated with FBN1-related disorders (PMID: 12938084); Has not been previously published as pathogenic or benign to our knowledge; This variant is associated with the following publications: (PMID: 12938084)

NM_000138.5(FBN1):c.2082A>C (p.Glu694Asp)

Gene: FBN1 (fibrillin 1; minus strand). Cytogenetic location: 15q21.1.
Variant type: single nucleotide variant.
Coding change: c.2082A>C on transcript NM_000138.5 (MANE Select); coding-DNA position 2082, A replaced by C.
Protein change: p.Glu694Asp; replaces glutamic acid 694 with aspartic acid.
Molecular consequence: missense variant.
Genome position (GRCh38, 1-based): chr15:48,503,818, T>G on the plus strand (A>C on the coding strand, the complement: FBN1 is on the minus strand). VCF-style: chr15-48503818-T-G. GRCh37 (hg19) VCF-style: chr15-48796015-T-G.
Other names: c.2082A>C, p.Glu694Asp (NM_001406716.1); short protein forms E694D.
Identifiers: ClinVar variation 4055950 (VCV004055950.1).